The following is an entry in ClinVar:

NM_007294.4(BRCA1):c.5074+23A>G

Gene: BRCA1 (BRCA1 DNA repair associated; minus strand). Cytogenetic location: 17q21.31.
Variant type: single nucleotide variant.
Coding change: c.5074+23A>G on transcript NM_007294.4 (MANE Select); 23 bases into the intron after coding-DNA position 5074, A replaced by G.
Molecular consequence: intron variant.
Genome position (GRCh38, 1-based): chr17:43,067,585, T>C on the plus strand (A>G on the coding strand, the complement: BRCA1 is on the minus strand). VCF-style: chr17-43067585-T-C. GRCh37 (hg19) VCF-style: chr17-41219602-T-C.
Other names: c.1621+23A>G (NM_001408458.1, NM_001408461.1, NM_001408464.1 and 7 more transcripts); c.4183+23A>G (NM_001407967.1); c.4693+23A>G (NM_001407959.1); c.4807+23A>G (NM_001407931.1, NM_001407932.1, NM_001407928.1 and 4 more transcripts); c.4930+23A>G (NM_001407747.1, NM_001407745.1, NM_001407737.1 and 21 more transcripts); c.4690+23A>G (NM_001407962.1, NM_001407960.1); c.1261+23A>G (NM_001408512.1); c.1384+23A>G (NM_001408510.1); and 71 more.
Identifiers: ClinVar variation 371973 (VCV000371973.6), dbSNP rs778115859, ClinGen allele CA053789.
Genomic context (GRCh38, chr17:43,067,585, plus strand): 5'-ATTACAGGCATGCGCCACCGTGCCTCGCCTCATGTGGTTTTATGCAGCAGATGCAAGGTA[T>C]TCTGTAAAGGTTCTTGGTATACCTGTTTTCATAACAACATGAGTAGTCTCTTCAGTAATT-3'

ClinVar aggregate classification (germline): Benign/Likely benign. Review status: criteria provided, multiple submitters, no conflicts (2 of 4 stars). 3 submissions from 3 submitters: Benign (1); Likely benign (1). 1 of the submissions does not count toward it. Last evaluated 2025-07-10.

Conditions:
Hereditary cancer-predisposing syndrome. Also called: Neoplastic Syndromes, Hereditary; Hereditary neoplastic syndrome; Hereditary Cancer Syndrome; Tumor predisposition. Identifiers: Orphanet 140162, MedGen C0027672, MeSH D009386, MONDO:0015356.
Breast-ovarian cancer, familial, susceptibility to, 1 (BROVCA1). Also called: BRCA1 Hereditary Breast and Ovarian Cancer; OVARIAN CANCER, SUSCEPTIBILITY TO. Identifiers: Orphanet 145, MedGen C2676676, MONDO:0011450, OMIM 604370. Disease mechanism: loss of function.

Allele frequency attached by ClinVar (database versions not stated): gnomAD 0.00002; ExAC 0.00007; TOPMed 0.00008.
gnomAD v4.1: 38 of 1,570,724 alleles (0.0024%); highest among the groups gnomAD compares: Admixed American, 0.042%; 1 homozygote.

Submissions (3):

Molecular Diagnostics Laboratory, Catalan Institute of Oncology
Classification: Benign for Hereditary cancer-predisposing syndrome. Last evaluated: 2025-07-10. Review status: criteria provided, single submitter. Criteria: ClinGen BRCA1BRCA2 ACMG Specifications BRCA1 V1.0.0. Collection method: clinical testing. Allele origin: germline.
Comment: BS1, BP4, BP5_Moderate, BP7 BRCA1 c.5074+23A>G is an intronic variant not very close to a canonical splice site, where the SpliceAI algorithm predicts no significant impact on splicing (BP4 and BP7). The variant allele was found in 18/35092 alleles, with a filter allele frequency of 0.027% at 99% confidence, within the Latino population in the gnomAD v2.1.1 database (non-cancer data set) (BS1). This alteration was classified as likely not pathogenic or of little clinical significance in a multifactorial likelihood analysis showing a Combined likelyhood ratio indicative of strong evidence towards benignity (LR 0.196), based on, tumor pathology LR 0.196 (PMID: 31131967) (BP5_Moderate). To our knowledge well-established functional studies have not been reported for this variant. In addition, it has been identified in the ClinVar database (1x, as likely benign), and BRCA Exchange database (not yet reviewed), but it is not present in the LOVD database. Based on the currently available evidence, c.5074+23A>G is classified as a benign variant according to ClinGen-BRCA1 Guidelines v.1.0.0.

Mendelics
Classification: Likely benign for Breast-ovarian cancer, familial, susceptibility to, 1. Last evaluated: 2019-05-28. Review status: criteria provided, single submitter. Criteria: Mendelics Assertion Criteria 2017. Collection method: clinical testing. Allele origin: unknown.

Counsyl
Classification: Likely benign for Breast-ovarian cancer, familial, susceptibility to, 1. Last evaluated: 2016-09-19. Review status: no assertion criteria provided. Collection method: clinical testing. Allele origin: unknown. Not counted in ClinVar's aggregate classification.

Literature cited by the submitters: PubMed 18092194 (cited by Counsyl).